The following is an entry in ClinVar:

ClinVar aggregate classification (germline): Uncertain significance. Review status: criteria provided, multiple submitters, no conflicts (2 of 4 stars). 2 submissions from 2 submitters: Uncertain significance (2). Last evaluated 2025-07-31.

Allele frequency attached by ClinVar (database versions not stated): gnomAD exomes 0.00001; TOPMed 0.00001; ExAC 0.00001; gnomAD 0.00001.
gnomAD v4.1: 8 of 1,613,316 alleles (0.0005%); highest among the groups gnomAD compares: Non-Finnish European, 0.00068%; no homozygotes.

Submissions (2):

Dasa
Classification: Uncertain significance. Last evaluated: 2025-07-31. Review status: criteria provided, single submitter. Criteria: DASA Assertion Criteria. Collection method: clinical testing. Allele origin: germline.
Comment: NM_001267550.2(TTN):c.64912A>G (p.Asn21638Asp) is a missense variant that results in the substitution of asparagine with aspartic acid. This variant is rare in population databases. Computational prediction algorithms are consistent with a deleterious effect. The currently available literature and clinical evidence are not sufficient to establish a definitive association between this variant and the reported condition. Therefore, this variant is classified as a variant of uncertain significance.

Revvity Omics, Revvity
Classification: Uncertain significance. Last evaluated: 2021-02-09. Review status: criteria provided, single submitter. Criteria: ACMG Guidelines, 2015. Collection method: clinical testing. Allele origin: germline.

NM_001267550.2(TTN):c.64912A>G (p.Asn21638Asp)

Genes: TTN (titin; minus strand), TTN-AS1 (TTN antisense RNA 1; plus strand). Cytogenetic location: 2q31.2.
Variant type: single nucleotide variant.
Coding change: c.64912A>G on transcript NM_001267550.2 (MANE Select); coding-DNA position 64912, A replaced by G.
Protein change: p.Asn21638Asp; replaces asparagine 21638 with aspartic acid.
Molecular consequence: missense variant. On other transcripts: non-coding transcript variant (1).
Genome position (GRCh38, 1-based): chr2:178,584,729, T>C on the plus strand (A>G on the coding strand, the complement: TTN is on the minus strand). VCF-style: chr2-178584729-T-C. GRCh37 (hg19) VCF-style: chr2-179449456-T-C.
Other names: c.59989A>G, p.Asn19997Asp (NM_001256850.1); c.37717A>G, p.Asn12573Asp (NM_003319.4); c.57208A>G, p.Asn19070Asp (NM_133378.4); c.38092A>G, p.Asn12698Asp (NM_133432.3); c.38293A>G, p.Asn12765Asp (NM_133437.4); short protein forms N12573D, N12698D, N12765D, N19070D, N19997D, N21638D.
Identifiers: ClinVar variation 2437904 (VCV002437904.5), dbSNP rs757843701, ClinGen allele CA1991818.